The following is an entry in ClinVar:

ClinVar aggregate classification (germline): Benign/Likely benign. Review status: criteria provided, multiple submitters, no conflicts (2 of 4 stars). 6 submissions from 6 submitters: Benign (2); Likely benign (3). 1 of the submissions does not count toward it. Last evaluated 2026-03-01.

Conditions:
EP300-related disorder. Also called: EP300-related condition; EP300-related disorders.
Rubinstein-Taybi syndrome due to EP300 haploinsufficiency. Also called: RUBINSTEIN-TAYBI SYNDROME 2; EP300-Related Rubinstein-Taybi Syndrome. Identifiers: Orphanet 353284, Orphanet 783, MedGen C3150941, MONDO:0013364, OMIM 613684.

Allele frequency attached by ClinVar (database versions not stated): ESP Exome Variant Server 0.00015; gnomAD 0.00020 and 0.00023; TOPMed 0.00029; ExAC 0.00041; gnomAD exomes 0.00045.

Submissions (6):

CeGaT Center for Human Genetics Tuebingen
Classification: Likely benign. Last evaluated: 2026-03-01. Review status: criteria provided, single submitter. Criteria: CeGaT Center For Human Genetics Tuebingen Variant Classification Criteria Version 2. Collection method: clinical testing. Allele origin: germline. Affected: yes. Observed: 5 variant alleles.
Comment: EP300: BP4, BP7, BS1

Labcorp Genetics (formerly Invitae), Labcorp
Classification: Benign for Rubinstein-Taybi syndrome due to EP300 haploinsufficiency. Last evaluated: 2026-01-22. Review status: criteria provided, single submitter. Criteria: Invitae Variant Classification Sherloc (09022015). Collection method: clinical testing. Allele origin: germline.

Blueprint Genetics
Classification: Likely benign. Last evaluated: 2024-11-01. Review status: criteria provided, single submitter. Criteria: ACMG Guidelines, 2015. Collection method: clinical testing. Allele origin: germline.

GeneDx
Classification: Benign. Last evaluated: 2020-08-28. Review status: criteria provided, single submitter. Criteria: GeneDx Variant Classification Process June 2021. Collection method: clinical testing. Allele origin: germline. Affected: yes.

Eurofins Ntd Llc (ga)
Classification: Likely benign. Last evaluated: 2016-10-20. Review status: criteria provided, single submitter. Criteria: EGL Classification Definitions 2015. Collection method: clinical testing. Allele origin: germline. Observed: 1 variant allele, 1 heterozygote.

PreventionGenetics, part of Exact Sciences
Classification: Likely benign for EP300-related condition. Last evaluated: 2021-06-17. Review status: no assertion criteria provided. Collection method: clinical testing. Allele origin: germline. Not counted in ClinVar's aggregate classification.
Comment: This variant is classified as likely benign based on ACMG/AMP sequence variant interpretation guidelines (Richards et al. 2015 PMID: 25741868, with internal and published modifications).

NM_001429.4(EP300):c.324C>T (p.Ala108=)

Gene: EP300 (EP300 lysine acetyltransferase; plus strand). Cytogenetic location: 22q13.2.
Variant type: single nucleotide variant.
Coding change: c.324C>T on transcript NM_001429.4 (MANE Select); coding-DNA position 324, C replaced by T.
Protein change: p.Ala108=; no amino-acid change (alanine 108 retained).
Molecular consequence: synonymous variant.
Genome position (GRCh38, 1-based): chr22:41,117,416, C>T. VCF-style: chr22-41117416-C-T. GRCh37 (hg19) VCF-style: chr22-41513420-C-T.
Other names: c.324C>T, p.Ala108= (NM_001362843.2).
Identifiers: ClinVar variation 341775 (VCV000341775.43), dbSNP rs138876937, ClinGen allele CA10252228.